The following is an entry in ClinVar:

NM_004239.4(TRIP11):c.2909A>G (p.Lys970Arg)

Gene: TRIP11 (thyroid hormone receptor interactor 11; minus strand). Cytogenetic location: 14q32.12.
Variant type: single nucleotide variant.
Coding change: c.2909A>G on transcript NM_004239.4 (MANE Select); coding-DNA position 2909, A replaced by G.
Protein change: p.Lys970Arg; replaces lysine 970 with arginine.
Molecular consequence: missense variant.
Genome position (GRCh38, 1-based): chr14:92,005,067, T>C on the plus strand (A>G on the coding strand, the complement: TRIP11 is on the minus strand). VCF-style: chr14-92005067-T-C. GRCh37 (hg19) VCF-style: chr14-92471411-T-C.
Other names: c.2906A>G, p.Lys969Arg (NM_001321851.1); short protein forms K969R, K970R.
Identifiers: ClinVar variation 1365314 (VCV001365314.6), dbSNP rs2140118009, ClinGen allele CA390655390.

ClinVar aggregate classification (germline): Uncertain significance (1 of 4 stars; one submission).

Conditions:
Achondrogenesis, type IA (ACG1A). Identifiers: Orphanet 932, Orphanet 93299, MedGen C0265273, MONDO:0008701, OMIM 200600.

Allele frequency attached by ClinVar (database versions not stated): gnomAD exomes below 0.00001.
gnomAD v4.1: 1 of 1,613,998 alleles (0.000062%); highest among the groups gnomAD compares: Non-Finnish European, 0.000085%; no homozygotes.

Submission:

Labcorp Genetics (formerly Invitae), Labcorp
Classification: Uncertain significance for Achondrogenesis, type IA. Last evaluated: 2021-09-23. Review status: criteria provided, single submitter. Criteria: Invitae Variant Classification Sherloc (09022015). Collection method: clinical testing. Allele origin: germline.
Comment: This variant is not present in population databases (ExAC no frequency). This variant has not been reported in the literature in individuals affected with TRIP11-related conditions. Algorithms developed to predict the effect of missense changes on protein structure and function output the following: SIFT: "Not Available"; PolyPhen-2: "Benign"; Align-GVGD: "Not Available". The arginine amino acid residue is found in multiple mammalian species, which suggests that this missense change does not adversely affect protein function. In summary, the available evidence is currently insufficient to determine the role of this variant in disease. Therefore, it has been classified as a Variant of Uncertain Significance. This sequence change replaces lysine with arginine at codon 970 of the TRIP11 protein (p.Lys970Arg). The lysine residue is moderately conserved and there is a small physicochemical difference between lysine and arginine.